The following is an entry in ClinVar:

NM_021076.4(NEFH):c.2361C>G (p.Ser787Arg)

Gene: NEFH (neurofilament heavy chain; plus strand). Cytogenetic location: 22q12.2.
Variant type: single nucleotide variant.
Coding change: c.2361C>G on transcript NM_021076.4 (MANE Select); coding-DNA position 2361, C replaced by G.
Protein change: p.Ser787Arg; replaces serine 787 with arginine.
Molecular consequence: missense variant.
Genome position (GRCh38, 1-based): chr22:29,490,001, C>G. VCF-style: chr22-29490001-C-G. GRCh37 (hg19) VCF-style: chr22-29885990-C-G.
Other names: c.2361C>G (NM_021076.3); short protein forms S787R.
Identifiers: ClinVar variation 1625000 (VCV001625000.10), dbSNP rs568759161, ClinGen allele CA10174411.

ClinVar aggregate classification (germline): Benign/Likely benign. Review status: criteria provided, multiple submitters, no conflicts (2 of 4 stars). 2 submissions from 2 submitters: Benign (1); Likely benign (1). Last evaluated 2026-05-18.

Conditions:
NEFH-related disorder. Also called: NEFH-related condition.

Allele frequency attached by ClinVar (database versions not stated): ExAC 0.00010; 1000 Genomes Project 30x 0.00031; 1000 Genomes Project 0.00040; TOPMed 0.00005; gnomAD 0.00006 and 0.00007.
gnomAD v4.1: 61 of 1,613,456 alleles (0.0038%); highest among the groups gnomAD compares: East Asian, 0.13%; no homozygotes.

Submissions (2):

PreventionGenetics, part of Exact Sciences
Classification: Likely benign for NEFH-related condition. Last evaluated: 2026-05-18. Review status: criteria provided, single submitter. Criteria: ACMG Guidelines, 2015. Collection method: clinical testing. Allele origin: germline.
Comment: This variant is classified as likely benign based on ACMG/AMP sequence variant interpretation guidelines (Richards et al. 2015 PMID: 25741868, with internal and published modifications).

Labcorp Genetics (formerly Invitae), Labcorp
Classification: Benign. Last evaluated: 2026-01-15. Review status: criteria provided, single submitter. Criteria: Invitae Variant Classification Sherloc (09022015). Collection method: clinical testing. Allele origin: germline.